The following is an entry in ClinVar:

ClinVar aggregate classification (germline): Likely benign. Review status: criteria provided, multiple submitters, no conflicts (2 of 4 stars). 2 submissions from 2 submitters: Likely benign (2). Last evaluated 2026-05-06.

Conditions:
Blepharophimosis-impaired intellectual development syndrome. Identifiers: Orphanet 637013, MedGen C5443984, MONDO:0859139, OMIM 619293.

Submissions (2):

Centre for Medical Genetics,  Mumbai
Classification: Likely benign for Blepharophimosis-impaired intellectual development syndrome. Last evaluated: 2026-05-06. Review status: criteria provided, single submitter. Criteria: ACMG Guidelines, 2015. Collection method: provider interpretation. Allele origin: germline. Inheritance: Autosomal dominant inheritance. Affected: no. Observed: 1 variant allele, 1 heterozygote.
Comment: The variant satisfies PVS1 criteria - null variant in a gene where loss of function is a known mechanism of disease. The variant satisfies BS1 criteria - Allele frequency is greater than expected for disorder. However, the variant satisfies BS2 criteria - present in heterozygous state in an individual that clinically does not have Blepharophimosis-impaired intellectual development syndrome.

Blueprint Genetics
Classification: Likely benign. Last evaluated: 2023-04-11. Review status: criteria provided, single submitter. Criteria: ACMG Guidelines, 2015. Collection method: clinical testing. Allele origin: germline.

Literature cited by the submitters: PubMed 32694869 (cited by Centre for Medical Genetics,  Mumbai).

NM_003070.5(SMARCA2):c.665_666insGC (p.Gln223fs)

Gene: SMARCA2 (SWI/SNF related BAF chromatin remodeling complex subunit ATPase 2; plus strand). Cytogenetic location: 9p24.3.
Variant type: Insertion.
Coding change: c.665_666insGC on transcript NM_003070.5 (MANE Select); coding-DNA positions 665 to 666, GC inserted.
Protein change: p.Gln223fs; shifts the reading frame from glutamine 223.
Molecular consequence: frameshift variant.
Genome position: GRCh38 VCF-style: chr9-2039775-A-AGC. GRCh37 (hg19) VCF-style: chr9-2039775-A-AGC.
Other names: c.665_666insGC, p.Gln223fs (NM_001289396.2, NM_001289397.2, NM_139045.4); short protein forms Q223fs.
Identifiers: ClinVar variation 4852458 (VCV004852458.2).